The following is an entry in ClinVar:

ClinVar aggregate classification (germline): Pathogenic (3 of 4 stars; one submission).

Conditions:
Breast-ovarian cancer, familial, susceptibility to, 1 (BROVCA1). Also called: BRCA1 Hereditary Breast and Ovarian Cancer; OVARIAN CANCER, SUSCEPTIBILITY TO. Identifiers: Orphanet 145, MedGen C2676676, MONDO:0011450, OMIM 604370. Disease mechanism: loss of function.

Submission:

Evidence-based Network for the Interpretation of Germline Mutant Alleles (ENIGMA)
Classification: Pathogenic for Breast-ovarian cancer, familial, susceptibility to, 1. Last evaluated: 2016-09-08. Review status: reviewed by expert panel. Criteria: ENIGMA BRCA1/2 Classification Criteria (2015). Collection method: curation. Allele origin: germline.
Comment: Variant allele predicted to encode a truncated non-functional protein.

NM_007294.4(BRCA1):c.2145del (p.Ser716fs)

Gene: BRCA1 (BRCA1 DNA repair associated; minus strand). Cytogenetic location: 17q21.31.
Variant type: Deletion.
Coding change: c.2145del on transcript NM_007294.4 (MANE Select); coding-DNA position 2145, one base deleted (C; older notation c.2145delC).
Protein change: p.Ser716fs; shifts the reading frame from serine 716.
Molecular consequence: frameshift variant. On other transcripts: intron variant (137).
Genome position (GRCh38, 1-based): chr17:43,093,386, G deleted on the plus strand (C on the coding strand, the reverse complement: BRCA1 is on the minus strand); the first of 2 consecutive G bases (chr17:43,093,386-43,093,387); deleting either gives the same sequence. VCF-style (leftmost placement, unchanged base first): chr17-43093385-TG-T. GRCh37 (hg19) VCF-style: chr17-41245402-TG-T.
Other names: c.2145delC (NM_007294.3); c.664+1358del (NM_001408439.1, NM_001408425.1, NM_001408440.1 and 12 more transcripts); c.671-2354del (NM_001408419.1, NM_001408422.1, NM_001408418.1 and 2 more transcripts); c.787+1358del (NM_001408403.1, NM_001407983.1, NM_001407975.1 and 17 more transcripts); c.790+1355del (NM_001408406.1); c.646+1358del (NM_001408456.1, NM_001408410.1, NM_001408458.1 and 11 more transcripts); c.643+1358del (NM_001408465.1, NM_001408463.1, NM_001408462.1 and 3 more transcripts); c.577+1358del (NM_001408482.1, NM_001408484.1, NM_001408478.1 and 9 more transcripts); and 42 more; short protein forms S669fs, S716fs, S588fs, S627fs, S646fs, S668fs, S674fs, S715fs.
Identifiers: ClinVar variation 254407 (VCV000254407.4), dbSNP rs886037996, ClinGen allele CA10586648.